The following is an entry in ClinVar:

NM_004380.3(CREBBP):c.3589G>A (p.Gly1197Arg)

Gene: CREBBP (CREB binding protein; minus strand). Cytogenetic location: 16p13.3.
Variant type: single nucleotide variant.
Coding change: c.3589G>A on transcript NM_004380.3 (MANE Select); coding-DNA position 3589, G replaced by A.
Protein change: p.Gly1197Arg; replaces glycine 1197 with arginine.
Molecular consequence: missense variant.
Genome position (GRCh38, 1-based): chr16:3,757,829, C>T on the plus strand (G>A on the coding strand, the complement: CREBBP is on the minus strand). VCF-style: chr16-3757829-C-T. GRCh37 (hg19) VCF-style: chr16-3807830-C-T.
Other names: c.3475G>A, p.Gly1159Arg (NM_001079846.1); short protein forms G1159R, G1197R.
Identifiers: ClinVar variation 1315472 (VCV001315472.2), dbSNP rs2052622487, ClinGen allele CA394568582.

ClinVar aggregate classification (germline): Uncertain significance (1 of 4 stars; one submission).

Submission:

GeneDx
Classification: Uncertain significance. Last evaluated: 2020-02-13. Review status: criteria provided, single submitter. Criteria: GeneDx Variant Classification Process June 2021. Collection method: clinical testing. Allele origin: germline. Affected: yes.
Comment: Not observed in large population cohorts (Lek 2016); In silico analysis supports that this missense variant has a deleterious effect on protein structure/function; Has not been previously published as pathogenic or benign to our knowledge